The following is an entry in ClinVar:

NM_013450.4(BAZ2B):c.17G>T (p.Arg6Leu)

Gene: BAZ2B (bromodomain adjacent to zinc finger domain 2B; minus strand). Cytogenetic location: 2q24.2.
Variant type: single nucleotide variant.
Coding change: c.17G>T on transcript NM_013450.4 (MANE Select); coding-DNA position 17, G replaced by T.
Protein change: p.Arg6Leu; replaces arginine 6 with leucine.
Molecular consequence: missense variant.
Genome position (GRCh38, 1-based): chr2:159,478,703, C>A on the plus strand (G>T on the coding strand, the complement: BAZ2B is on the minus strand). VCF-style: chr2-159478703-C-A. GRCh37 (hg19) VCF-style: chr2-160335214-C-A.
Other names: c.17G>T, p.Arg6Leu (NM_001289975.1, NM_001329857.2, NM_001329858.2); short protein forms R6L.
Identifiers: ClinVar variation 4086381 (VCV004086381.1).

ClinVar aggregate classification (germline): Uncertain significance (1 of 4 stars; one submission).

Submission:

GeneDx
Classification: Uncertain significance. Last evaluated: 2025-03-20. Review status: criteria provided, single submitter. Criteria: GeneDx Variant Classification Process June 2021. Collection method: clinical testing. Allele origin: germline. Affected: yes.
Comment: Not observed at significant frequency in large population cohorts (gnomAD); In silico analysis supports that this missense variant has a deleterious effect on protein structure/function; Has not been previously published as pathogenic or benign to our knowledge